The following is an entry in ClinVar:

ClinVar aggregate classification (germline): Likely pathogenic (1 of 4 stars; one submission).

Conditions:
Metachromatic leukodystrophy (MLD). Also called: ARSA DEFICIENCY; CEREBROSIDE SULFATASE DEFICIENCY; METACHROMATIC LEUKOENCEPHALOPATHY; SULFATIDE LIPIDOSIS; Cerebral sclerosis diffuse metachromatic form; Arylsulfatase A Deficiency. Identifiers: Orphanet 512, MedGen C0023522, MONDO:0018868, OMIM 250100.

Allele frequency attached by ClinVar (database versions not stated): ExAC 0.00001.

Submissions (2):

Labcorp Genetics (formerly Invitae), Labcorp
Classification: Likely pathogenic for Metachromatic leukodystrophy. Last evaluated: 2023-09-19. Review status: criteria provided, single submitter. Criteria: Invitae Variant Classification Sherloc (09022015). Collection method: clinical testing. Allele origin: germline.
Comment: In summary, the currently available evidence indicates that the variant is pathogenic, but additional data are needed to prove that conclusively. Therefore, this variant has been classified as Likely Pathogenic. This variant disrupts the p.Ser408 amino acid residue in ARSA. Other variant(s) that disrupt this residue have been determined to be pathogenic (PMID: 16678723, 19606494). This suggests that this residue is clinically significant, and that variants that disrupt this residue are likely to be disease-causing. Algorithms developed to predict the effect of sequence changes on RNA splicing suggest that this variant may create or strengthen a splice site. Advanced modeling of protein sequence and biophysical properties (such as structural, functional, and spatial information, amino acid conservation, physicochemical variation, residue mobility, and thermodynamic stability) performed at Invitae indicates that this missense variant is expected to disrupt ARSA protein function. This variant has not been reported in the literature in individuals affected with ARSA-related conditions. This variant is present in population databases (rs779702635, gnomAD 0.0009%). This sequence change replaces serine, which is neutral and polar, with asparagine, which is neutral and polar, at codon 408 of the ARSA protein (p.Ser408Asn).

Gelb Laboratory, University of Washington
No classification provided (evidence only). Condition: Metachromatic leukodystrophy. Review status: no classification provided. Collection method: in vitro. Allele origin: not applicable. Functional consequence: loss of function. Not counted in ClinVar's aggregate classification.

Literature cited by the submitters: PubMed 16678723 (cited by Labcorp Genetics (formerly Invitae), Labcorp); PubMed 19606494 (cited by Labcorp Genetics (formerly Invitae), Labcorp).

NM_000487.6(ARSA):c.1223G>A (p.Ser408Asn)

Gene: ARSA (arylsulfatase A; minus strand). Cytogenetic location: 22q13.33.
Variant type: single nucleotide variant.
Coding change: c.1223G>A on transcript NM_000487.6 (MANE Select); coding-DNA position 1223, G replaced by A.
Protein change: p.Ser408Asn; replaces serine 408 with asparagine.
Molecular consequence: missense variant.
Genome position (GRCh38, 1-based): chr22:50,625,452, C>T on the plus strand (G>A on the coding strand, the complement: ARSA is on the minus strand). VCF-style: chr22-50625452-C-T. GRCh37 (hg19) VCF-style: chr22-51063880-C-T.
Other names: c.1223G>A, p.Ser408Asn (NM_001085425.3, NM_001085426.3, NM_001085427.3); c.965G>A, p.Ser322Asn (NM_001085428.3, NM_001362782.2); short protein forms S322N, S408N.
Identifiers: ClinVar variation 2727611 (VCV002727611.6), dbSNP rs779702635, ClinGen allele CA10324762.
Genomic context (GRCh38, chr22:50,625,452, plus strand): 5'-GGGGGCTCATGAGCAGTCAGAGAGCTGGAGGCGTGGCAGGCAGGGTCTGCAGTGGTATCA[C>T]TGTGGGCAGAGCCTGGGGAGGGGGCCAATTCTGTGCACAGGGCAAGGGCGAGAGGAGGGG-3'
Protein context (NP_000478.3, residues 398-418): AHFFTQGSAH[Ser408Asn]DTTADPACHA